The following is an entry in ClinVar:

ClinVar aggregate classification (germline): Uncertain significance (1 of 4 stars; one submission).

Submission:

Dasa
Classification: Uncertain significance. Last evaluated: 2026-03-23. Review status: criteria provided, single submitter. Criteria: DASA Assertion Criteria. Collection method: clinical testing. Allele origin: germline.
Comment: NM_001365276.2(TNXB):c.8630A>G (p.Gln2877Arg) is a missense variant that results in the substitution of glutamine with arginine. This variant is rare in population databases. The currently available literature and clinical evidence are not sufficient to establish a definitive association between this variant and the reported condition. Therefore, this variant is classified as a variant of uncertain significance.

NM_001365276.2(TNXB):c.8630A>G (p.Gln2877Arg)

Gene: TNXB (tenascin XB; minus strand). Cytogenetic location: 6p21.33.
Variant type: single nucleotide variant.
Coding change: c.8630A>G on transcript NM_001365276.2 (MANE Select); coding-DNA position 8630, A replaced by G.
Protein change: p.Gln2877Arg; replaces glutamine 2877 with arginine.
Molecular consequence: missense variant.
Genome position (GRCh38, 1-based): chr6:32,053,549, T>C on the plus strand (A>G on the coding strand, the complement: TNXB is on the minus strand). VCF-style: chr6-32053549-T-C. GRCh37 (hg19) VCF-style: chr6-32021326-T-C.
Other names: c.9371A>G, p.Gln3124Arg (NM_001428335.1); c.8624A>G, p.Gln2875Arg (NM_019105.8); short protein forms Q2875R, Q2877R, Q3124R.
Identifiers: ClinVar variation 4881172 (VCV004881172.2).